The following is an entry in ClinVar:

ClinVar aggregate classification (germline): Uncertain significance (1 of 4 stars; one submission).

Conditions:
BBS4-related disorder. Also called: BBS4-related condition.

Submission:

PreventionGenetics, part of Exact Sciences
Classification: Uncertain significance for BBS4-related condition. Last evaluated: 2025-03-02. Review status: criteria provided, single submitter. Criteria: ACMG Guidelines, 2015. Collection method: clinical testing. Allele origin: germline.
Comment: The BBS4 c.1107-4A>T variant is predicted to interfere with splicing. This variant is predicted to alter splicing based on splicing prediction programs (SpliceAI, Jaganathan K, et al. 2019. PubMed ID: 30661751). However, the use of computer prediction programs is not equivalent to functional evidence. To our knowledge, this variant has not been reported in the literature or in a large population database (gnomAD), indicating this variant is rare. At this time, the clinical significance of this variant is uncertain due to the absence of conclusive functional and genetic evidence.

NM_033028.5(BBS4):c.1107-4A>T

Gene: BBS4 (Bardet-Biedl syndrome 4; plus strand). Cytogenetic location: 15q24.1.
Variant type: single nucleotide variant.
Coding change: c.1107-4A>T on transcript NM_033028.5 (MANE Select); 4 bases into the intron before coding-DNA position 1107, A replaced by T.
Molecular consequence: intron variant.
Genome position (GRCh38, 1-based): chr15:72,735,821, A>T. VCF-style: chr15-72735821-A-T. GRCh37 (hg19) VCF-style: chr15-73028162-A-T.
Other names: c.1038-4A>T (NM_001320665.2); c.591-4A>T (NM_001252678.2).
Identifiers: ClinVar variation 4997106 (VCV004997106.1).